The following is an entry in ClinVar:

ClinVar aggregate classification (germline): Uncertain significance (1 of 4 stars; one submission).

Conditions:
Familial hemophagocytic lymphohistiocytosis 3 (FHL3). Also called: UNC13D-Related Familial Hemophagocytic Lymphohistiocytosis (UNC13D-fHLH). Identifiers: Orphanet 540, MedGen C1837174, MONDO:0012146, OMIM 608898.

Submission:

Labcorp Genetics (formerly Invitae), Labcorp
Classification: Uncertain significance for Familial hemophagocytic lymphohistiocytosis 3. Last evaluated: 2022-03-17. Review status: criteria provided, single submitter. Criteria: Invitae Variant Classification Sherloc (09022015). Collection method: clinical testing. Allele origin: germline.
Comment: This sequence change replaces arginine, which is basic and polar, with histidine, which is basic and polar, at codon 11 of the UNC13D protein (p.Arg11His). This variant is present in population databases (rs574927621, gnomAD 0.007%). This variant has not been reported in the literature in individuals affected with UNC13D-related conditions. Algorithms developed to predict the effect of missense changes on protein structure and function are either unavailable or do not agree on the potential impact of this missense change (SIFT: "Not Available"; PolyPhen-2: "Probably Damaging"; Align-GVGD: "Not Available"). In summary, the available evidence is currently insufficient to determine the role of this variant in disease. Therefore, it has been classified as a Variant of Uncertain Significance.

NM_199242.3(UNC13D):c.32G>A (p.Arg11His)

Gene: UNC13D (unc-13 homolog D; minus strand). Cytogenetic location: 17q25.1.
Variant type: single nucleotide variant.
Coding change: c.32G>A on transcript NM_199242.3 (MANE Select); coding-DNA position 32, G replaced by A.
Protein change: p.Arg11His; replaces arginine 11 with histidine.
Molecular consequence: missense variant.
Genome position (GRCh38, 1-based): chr17:75,844,306, C>T on the plus strand (G>A on the coding strand, the complement: UNC13D is on the minus strand). VCF-style: chr17-75844306-C-T. GRCh37 (hg19) VCF-style: chr17-73840387-C-T.
Other names: short protein forms R11H.
Identifiers: ClinVar variation 1464711 (VCV001464711.3), dbSNP rs574927621, ClinGen allele CA8773696.